The following is an entry in ClinVar:

ClinVar aggregate classification (germline): Conflicting classifications of pathogenicity. Review status: criteria provided, conflicting classifications (1 of 4 stars). 2 submissions from 2 submitters: Uncertain significance (1); Likely benign (1). Last evaluated 2025-02-17.

Allele frequency attached by ClinVar (database versions not stated): ExAC 0.00002; gnomAD 0.00003; TOPMed 0.00003; gnomAD exomes 0.00008; ESP Exome Variant Server 0.00015.
gnomAD v4.1: 125 of 1,613,998 alleles (0.0077%); highest among the groups gnomAD compares: Non-Finnish European, 0.0098%; no homozygotes.

Submissions (2):

Labcorp Genetics (formerly Invitae), Labcorp
Classification: Likely benign. Last evaluated: 2025-02-17. Review status: criteria provided, single submitter. Criteria: Invitae Variant Classification Sherloc (09022015). Collection method: clinical testing. Allele origin: germline.

CeGaT Center for Human Genetics Tuebingen
Classification: Uncertain significance. Last evaluated: 2023-02-01. Review status: criteria provided, single submitter. Criteria: CeGaT Center For Human Genetics Tuebingen Variant Classification Criteria Version 2. Collection method: clinical testing. Allele origin: germline. Affected: yes. Observed: 1 variant allele.
Comment: PHIP: PP2, BP4

NM_017934.7(PHIP):c.4516A>G (p.Thr1506Ala)

Genes: IRAK1BP1 (interleukin 1 receptor associated kinase 1 binding protein 1; plus strand), PHIP (PHIP subunit of CUL4-Ring ligase complex; minus strand). Cytogenetic location: 6q14.1.
Variant type: single nucleotide variant.
Coding change: c.4516A>G on transcript NM_017934.7 (MANE Select); coding-DNA position 4516, A replaced by G.
Protein change: p.Thr1506Ala; replaces threonine 1506 with alanine.
Molecular consequence: missense variant.
Genome position (GRCh38, 1-based): chr6:78,946,115, T>C on the plus strand (A>G on the coding strand, the complement: PHIP is on the minus strand). VCF-style: chr6-78946115-T-C. GRCh37 (hg19) VCF-style: chr6-79655832-T-C.
Other names: short protein forms T1506A.
Identifiers: ClinVar variation 2499019 (VCV002499019.31), dbSNP rs149110742, ClinGen allele CA3899432.